The following is an entry in ClinVar:

ClinVar aggregate classification (germline): Uncertain significance. Review status: criteria provided, single submitter (1 of 4 stars). 2 submissions from 2 submitters: Uncertain significance (1). 1 of the submissions does not count toward it. Last evaluated 2022-07-12.

Conditions:
MET-related disorder. Also called: MET-related condition.
Hereditary cancer-predisposing syndrome. Also called: Neoplastic Syndromes, Hereditary; Tumor predisposition; Hereditary Cancer Syndrome; Hereditary neoplastic syndrome. Identifiers: Orphanet 140162, MedGen C0027672, MeSH D009386, MONDO:0015356.

Submissions (2):

Ambry Genetics
Classification: Uncertain significance for Hereditary cancer-predisposing syndrome. Last evaluated: 2022-07-12. Review status: criteria provided, single submitter. Criteria: Ambry Variant Classification Scheme 2023. Collection method: clinical testing. Allele origin: germline.
Comment: The p.E1012G variant (also known as c.3035A>G), located in coding exon 13 of the MET gene, results from an A to G substitution at nucleotide position 3035. The glutamic acid at codon 1012 is replaced by glycine, an amino acid with similar properties. This amino acid position is conserved. In addition, this alteration is predicted to be deleterious by in silico analysis. Since supporting evidence is limited at this time, the clinical significance of this alteration remains unclear.

PreventionGenetics, part of Exact Sciences
Classification: Uncertain significance for MET-related condition. Last evaluated: 2024-08-18. Review status: no assertion criteria provided. Collection method: clinical testing. Allele origin: germline. Not counted in ClinVar's aggregate classification.
Comment: The MET c.3035A>G variant is predicted to result in the amino acid substitution p.Glu1012Gly. This variant is reported as c.2981A>G (p.Glu994Gly) in an alternate transcript (NM_000245). To our knowledge, this variant has not been reported in the literature or in a large population database, indicating this variant is rare. This variant is classified as having uncertain pathogenicity in ClinVar. At this time, the clinical significance of this variant is uncertain due to the absence of conclusive functional and genetic evidence.

NM_000245.4(MET):c.2981A>G (p.Glu994Gly)

Gene: MET (MET proto-oncogene, receptor tyrosine kinase; plus strand). Cytogenetic location: 7q31.2.
Variant type: single nucleotide variant.
Coding change: c.2981A>G on transcript NM_000245.4 (MANE Select); coding-DNA position 2981, A replaced by G.
Protein change: p.Glu994Gly; replaces glutamic acid 994 with glycine.
Molecular consequence: missense variant.
Genome position (GRCh38, 1-based): chr7:116,771,942, A>G. VCF-style: chr7-116771942-A-G. GRCh37 (hg19) VCF-style: chr7-116411996-A-G.
Other names: c.3035A>G, p.Glu1012Gly (NM_001127500.3); c.1691A>G, p.Glu564Gly (NM_001324402.2); c.3035A>G (NM_001127500.2); short protein forms E1012G, E564G, E994G.
Identifiers: ClinVar variation 1799078 (VCV001799078.3), dbSNP rs2116997049, ClinGen allele CA368987293.
Genomic context (GRCh38, chr7:116,771,942, plus strand): 5'-GAGTACACACTCCTCATTTGGATAGGCTTGTAAGTGCCCGAAGTGTAAGCCCAACTACAG[A>G]AATGGTTTCAAATGAATCTGTAGACTACCGAGCTACTTTTCCAGAAGGTATATTTCAGTT-3'
Protein context (NP_000236.2, residues 984-1004): VSARSVSPTT[Glu994Gly]MVSNESVDYR